The following is an entry in ClinVar:

NM_005676.5(RBM10):c.872C>T (p.Ser291Leu)

Genes: RBM10 (RNA binding motif protein 10; plus strand), LOC126863252 (CDK7 strongly-dependent group 2 enhancer GRCh37_chrX:47037923-47039122; plus strand). Cytogenetic location: Xp11.3.
Variant type: single nucleotide variant.
Coding change: c.872C>T on transcript NM_005676.5 (MANE Select); coding-DNA position 872, C replaced by T.
Protein change: p.Ser291Leu; replaces serine 291 with leucine.
Molecular consequence: missense variant.
Genome position (GRCh38, 1-based): chrX:47,179,466, C>T. VCF-style: chrX-47179466-C-T. GRCh37 (hg19) VCF-style: chrX-47038865-C-T.
Other names: c.641C>T, p.Ser214Leu (NM_001204466.2, NM_152856.3); c.872C>T, p.Ser291Leu (NM_001204467.2); c.1067C>T, p.Ser356Leu (NM_001204468.2); short protein forms S214L, S291L, S356L.
Identifiers: ClinVar variation 2758281 (VCV002758281.3), dbSNP rs1556777933, ClinGen allele CA412797322.
Genomic context (GRCh38, chrX:47,179,466, plus strand): 5'-CCCTGCCGCAGCCCTACCAGGCCCAGGGAGTCCTGGCCTCCCAAGCCCTGTCACAGGGCT[C>T]GGAGCCAAGCTCAGAGAACGCCAATGACAGTGAGTCAGTTGTTCCTTCTTCCTCTGTGCC-3'
Protein context (NP_005667.2, residues 281-301): VLASQALSQG[Ser291Leu]EPSSENANDT

ClinVar aggregate classification (germline): Uncertain significance (1 of 4 stars; one submission).

Allele frequency attached by ClinVar (database versions not stated): gnomAD exomes below 0.00001; gnomAD 0.00001; TOPMed 0.00001.
gnomAD v4.1: 3 of 1,200,841 alleles (0.00025%); highest among the groups gnomAD compares: Non-Finnish European, 0.00034%; no homozygotes.

Submission:

Labcorp Genetics (formerly Invitae), Labcorp
Classification: Uncertain significance. Last evaluated: 2023-11-27. Review status: criteria provided, single submitter. Criteria: Invitae Variant Classification Sherloc (09022015). Collection method: clinical testing. Allele origin: germline.
Comment: This sequence change replaces serine, which is neutral and polar, with leucine, which is neutral and non-polar, at codon 291 of the RBM10 protein (p.Ser291Leu). The frequency data for this variant in the population databases is considered unreliable, as metrics indicate poor data quality at this position in the gnomAD database. This variant has not been reported in the literature in individuals affected with RBM10-related conditions. An algorithm developed to predict the effect of missense changes on protein structure and function (PolyPhen-2) suggests that this variant is likely to be tolerated. In summary, the available evidence is currently insufficient to determine the role of this variant in disease. Therefore, it has been classified as a Variant of Uncertain Significance.